The following is an entry in ClinVar:

ClinVar aggregate classification (germline): Uncertain significance (1 of 4 stars; one submission).

Conditions:
Neuropathy, hereditary sensory and autonomic, type 2A (HSAN2A). Also called: ACROOSTEOLYSIS, GIACCAI TYPE; ACROOSTEOLYSIS, NEUROGENIC; MORVAN DISEASE; NEUROPATHY, CONGENITAL SENSORY; NEUROPATHY, HEREDITARY SENSORY RADICULAR, AUTOSOMAL RECESSIVE; NEUROPATHY, HEREDITARY SENSORY, TYPE IIA. Identifiers: Orphanet 970, MedGen C2752089, MONDO:0024309, OMIM 201300.
Pseudohypoaldosteronism type 2C (PHA2C). Also called: Pseudohypoaldosteronism Type IIC. Identifiers: Orphanet 757, Orphanet 88940, MedGen C1840391, MONDO:0013778, OMIM 614492.

Allele frequency attached by ClinVar (database versions not stated): TOPMed below 0.00001.
gnomAD v4.1: 3 of 1,613,836 alleles (0.00019%); highest among the groups gnomAD compares: Admixed American, 0.0017%; no homozygotes.

Submission:

Labcorp Genetics (formerly Invitae), Labcorp
Classification: Uncertain significance for Neuropathy, hereditary sensory and autonomic, type 2A; Pseudohypoaldosteronism type 2C. Last evaluated: 2025-10-08. Review status: criteria provided, single submitter. Criteria: Invitae Variant Classification Sherloc (09022015). Collection method: clinical testing. Allele origin: germline.
Comment: This sequence change replaces glutamic acid, which is acidic and polar, with aspartic acid, which is acidic and polar, at codon 2252 of the WNK1 protein (p.Glu2252Asp). This variant is not present in population databases (gnomAD no frequency). This variant has not been reported in the literature in individuals affected with WNK1-related conditions. ClinVar contains an entry for this variant (Variation ID: 1438379). Invitae Evidence Modeling of protein sequence and biophysical properties (such as structural, functional, and spatial information, amino acid conservation, physicochemical variation, residue mobility, and thermodynamic stability) indicates that this missense variant is not expected to disrupt WNK1 protein function with a negative predictive value of 95%. In summary, the available evidence is currently insufficient to determine the role of this variant in disease. Therefore, it has been classified as a Variant of Uncertain Significance.

NM_018979.4(WNK1):c.6000A>C (p.Glu2000Asp)

Gene: WNK1 (WNK lysine deficient protein kinase 1; plus strand). Cytogenetic location: 12p13.33.
Variant type: single nucleotide variant.
Coding change: c.6000A>C on transcript NM_018979.4 (MANE Select); coding-DNA position 6000, A replaced by C.
Protein change: p.Glu2000Asp; replaces glutamic acid 2000 with aspartic acid.
Molecular consequence: missense variant.
Genome position (GRCh38, 1-based): chr12:896,487, A>C. VCF-style: chr12-896487-A-C. GRCh37 (hg19) VCF-style: chr12-1005653-A-C.
Other names: c.6780A>C, p.Glu2260Asp (NM_001184985.2); c.5256A>C, p.Glu1752Asp (NM_014823.3); c.6756A>C, p.Glu2252Asp (NM_213655.5); short protein forms E2000D, E2252D, E2260D, E1752D.
Identifiers: ClinVar variation 1438379 (VCV001438379.8), dbSNP rs1018499472, ClinGen allele CA231486647.
Genomic context (GRCh38, chr12:896,487, plus strand): 5'-TTTTATGGATTTGGAACAAGCTGTTCTTCCTGCTGTGATACCAAAGAAAGAGAAGCCTGA[A>C]CTGTCAGAGCCTTCACATCTAAATGGGCCGTCTTCTGACCCGGAGGCCGCTTTTTTAAGT-3'
Protein context (NP_061852.3, residues 1990-2010): PAVIPKKEKP[Glu2000Asp]LSEPSHLNGP